The following is an entry in ClinVar:

ClinVar aggregate classification (germline): Pathogenic (1 of 4 stars; one submission).

Submission:

Labcorp Genetics (formerly Invitae), Labcorp
Classification: Pathogenic. Last evaluated: 2023-11-10. Review status: criteria provided, single submitter. Criteria: Invitae Variant Classification Sherloc (09022015). Collection method: clinical testing. Allele origin: germline.
Comment: This sequence change creates a premature translational stop signal (p.Gln84*) in the MESP2 gene. It is expected to result in an absent or disrupted protein product. Loss-of-function variants in MESP2 are known to be pathogenic (PMID: 9242490, 18485326). Information on the frequency of this variant in the gnomAD database is not available, as this variant may be reported differently in the database. This variant has not been reported in the literature in individuals affected with MESP2-related conditions. For these reasons, this variant has been classified as Pathogenic.

Literature cited by the submitters: PubMed 9242490; PubMed 18485326.

NM_001039958.2(MESP2):c.249_250delinsTT (p.Gln84Ter)

Genes: MESP2 (mesoderm posterior bHLH transcription factor 2; plus strand), LOC130057891 (ATAC-STARR-seq lymphoblastoid silent region 6806; plus strand). Cytogenetic location: 15q26.1.
Variant type: Indel.
Coding change: c.249_250delinsTT on transcript NM_001039958.2 (MANE Select); coding-DNA positions 249 to 250, GC replaced by TT.
Protein change: p.Gln84Ter; replaces glutamine 84 with a stop codon.
Molecular consequence: nonsense.
Genome position (GRCh38, 1-based): chr15:89,776,606-89,776,607, GC replaced by TT. VCF-style: chr15-89776606-GC-TT. GRCh37 (hg19) VCF-style: chr15-90319837-GC-TT.
Other names: short protein forms Q84*.
Identifiers: ClinVar variation 2851650 (VCV002851650.3), dbSNP rs2505185436, ClinGen allele CA2739269742.